The following is an entry in ClinVar:

NM_001083961.2(WDR62):c.3212C>T (p.Pro1071Leu)

Gene: WDR62 (WD repeat domain 62; plus strand). Cytogenetic location: 19q13.12.
Variant type: single nucleotide variant.
Coding change: c.3212C>T on transcript NM_001083961.2 (MANE Select); coding-DNA position 3212, C replaced by T.
Protein change: p.Pro1071Leu; replaces proline 1071 with leucine.
Molecular consequence: missense variant. On other transcripts: intron variant (1).
Genome position (GRCh38, 1-based): chr19:36,102,143, C>T. VCF-style: chr19-36102143-C-T. GRCh37 (hg19) VCF-style: chr19-36593045-C-T.
Other names: c.3197C>T, p.Pro1066Leu (NM_001411145.1); c.2861C>T, p.Pro954Leu (NM_001411147.1); c.3212C>T, p.Pro1071Leu (NM_173636.5); c.2972-594C>T (NM_001411146.1); short protein forms P1066L, P1071L, P954L.
Identifiers: ClinVar variation 4704006 (VCV004704006.1).

ClinVar aggregate classification (germline): Uncertain significance (1 of 4 stars; one submission).

gnomAD v4.1: 13 of 1,613,890 alleles (0.00081%); highest among the groups gnomAD compares: African/African-American, 0.0013%; no homozygotes.

Submission:

Labcorp Genetics (formerly Invitae), Labcorp
Classification: Uncertain significance. Last evaluated: 2025-02-19. Review status: criteria provided, single submitter. Criteria: Invitae Variant Classification Sherloc (09022015). Collection method: clinical testing. Allele origin: germline.
Comment: This sequence change replaces proline, which is neutral and non-polar, with leucine, which is neutral and non-polar, at codon 1071 of the WDR62 protein (p.Pro1071Leu). This variant is present in population databases (rs771234917, gnomAD 0.004%). This variant has not been reported in the literature in individuals affected with WDR62-related conditions. Invitae Evidence Modeling of protein sequence and biophysical properties (such as structural, functional, and spatial information, amino acid conservation, physicochemical variation, residue mobility, and thermodynamic stability) indicates that this missense variant is not expected to disrupt WDR62 protein function with a negative predictive value of 80%. In summary, the available evidence is currently insufficient to determine the role of this variant in disease. Therefore, it has been classified as a Variant of Uncertain Significance.